The following is an entry in ClinVar:

ClinVar aggregate classification (germline): Uncertain significance (1 of 4 stars; one submission).

Conditions:
Mitochondrial complex II deficiency, nuclear type 1. Also called: SUCCINATE CoQ REDUCTASE DEFICIENCY. Identifiers: Orphanet 3208, MedGen C5700310, MONDO:0100294, OMIM 252011.
Pheochromocytoma/paraganglioma syndrome 5. Also called: Paragangliomas 5; SDHA-Related Hereditary Paraganglioma-Pheochromocytoma Syndrome. Identifiers: Orphanet 29072, MedGen C3279992, MONDO:0013602, OMIM 614165.

Submission:

Labcorp Genetics (formerly Invitae), Labcorp
Classification: Uncertain significance for Pheochromocytoma/paraganglioma syndrome 5; Mitochondrial complex II deficiency, nuclear type 1. Last evaluated: 2026-02-03. Review status: criteria provided, single submitter. Criteria: Invitae Variant Classification Sherloc (09022015). Collection method: clinical testing. Allele origin: germline.
Comment: This sequence change replaces cysteine, which is neutral and slightly polar, with tyrosine, which is neutral and polar, at codon 574 of the SDHA protein (p.Cys574Tyr). This variant is not present in population databases (gnomAD no frequency). This variant has not been reported in the literature in individuals affected with SDHA-related conditions. ClinVar contains an entry for this variant (Variation ID: 1490565). Invitae Evidence Modeling of protein sequence and biophysical properties (such as structural, functional, and spatial information, amino acid conservation, physicochemical variation, residue mobility, and thermodynamic stability) has been performed for this missense variant. However, the output from this modeling did not meet the statistical confidence thresholds required to predict the impact of this variant on SDHA protein function. In summary, the available evidence is currently insufficient to determine the role of this variant in disease. Therefore, it has been classified as a Variant of Uncertain Significance.

NM_004168.4(SDHA):c.1721G>A (p.Cys574Tyr)

Gene: SDHA (succinate dehydrogenase complex flavoprotein subunit A; plus strand). Cytogenetic location: 5p15.33.
Variant type: single nucleotide variant.
Coding change: c.1721G>A on transcript NM_004168.4 (MANE Select); coding-DNA position 1721, G replaced by A.
Protein change: p.Cys574Tyr; replaces cysteine 574 with tyrosine.
Molecular consequence: missense variant. On other transcripts: intron variant (1).
Genome position (GRCh38, 1-based): chr5:251,395, G>A. VCF-style: chr5-251395-G-A. GRCh37 (hg19) VCF-style: chr5-251510-G-A.
Other names: c.1577G>A, p.Cys526Tyr (NM_001294332.2); c.1552-2998G>A (NM_001330758.2); short protein forms C574Y, C526Y.
Identifiers: ClinVar variation 1490565 (VCV001490565.6), dbSNP rs2126633379, ClinGen allele CA359000110.